The following is an entry in ClinVar:

ClinVar aggregate classification (germline): Uncertain significance (1 of 4 stars; one submission).

Conditions:
Hereditary cancer-predisposing syndrome. Also called: Hereditary Cancer Syndrome; Hereditary neoplastic syndrome; Neoplastic Syndromes, Hereditary; Tumor predisposition. Identifiers: Orphanet 140162, MedGen C0027672, MeSH D009386, MONDO:0015356.

Submission:

Ambry Genetics
Classification: Uncertain significance for Hereditary cancer-predisposing syndrome. Last evaluated: 2020-07-07. Review status: criteria provided, single submitter. Criteria: Ambry Variant Classification Scheme 2023. Collection method: clinical testing. Allele origin: germline.
Comment: The p.S497N variant (also known as c.1490G>A), located in coding exon 14 of the NF2 gene, results from a G to A substitution at nucleotide position 1490. The serine at codon 497 is replaced by asparagine, an amino acid with highly similar properties. This amino acid position is well conserved in available vertebrate species. In addition, this alteration is predicted to be tolerated by in silico analysis. Since supporting evidence is limited at this time, the clinical significance of this alteration remains unclear.

NM_000268.4(NF2):c.1490G>A (p.Ser497Asn)

Gene: NF2 (NF2, moesin-ezrin-radixin like (MERLIN) tumor suppressor; plus strand). Cytogenetic location: 22q12.2.
Variant type: single nucleotide variant.
Coding change: c.1490G>A on transcript NM_000268.4 (MANE Select); coding-DNA position 1490, G replaced by A.
Protein change: p.Ser497Asn; replaces serine 497 with asparagine.
Molecular consequence: missense variant. On other transcripts: non-coding transcript variant (1), intron variant (1).
Genome position (GRCh38, 1-based): chr22:29,678,239, G>A. VCF-style: chr22-29678239-G-A. GRCh37 (hg19) VCF-style: chr22-30074228-G-A.
Other names: c.1376G>A, p.Ser459Asn (NM_001407053.1, NM_001407056.1); c.1367G>A, p.Ser456Asn (NM_001407054.1, NM_001407058.1, NM_181829.3); c.1364G>A, p.Ser455Asn (NM_001407055.1, NM_181828.3); c.1355G>A, p.Ser452Asn (NM_001407057.1, NM_001407059.1); c.1490G>A, p.Ser497Asn (NM_001407060.1, NM_001407066.1, NM_016418.5 and 2 more transcripts); c.1232G>A, p.Ser411Asn (NM_001407062.1); c.1241G>A, p.Ser414Asn (NM_001407063.1, NM_001407064.1, NM_181830.3 and 1 more transcripts); c.956G>A, p.Ser319Asn (NM_001407065.1); and 2 more; short protein forms S319N, S414N, S452N, S455N, S459N, S497N, S411N, S420N.
Identifiers: ClinVar variation 1773775 (VCV001773775.2), dbSNP rs900545157, ClinGen allele CA411149625.